The following is an entry in ClinVar:

ClinVar aggregate classification (germline): Uncertain significance (1 of 4 stars; one submission).

Allele frequency attached by ClinVar (database versions not stated): gnomAD exomes below 0.00001.
gnomAD v4.1: 2 of 1,614,034 alleles (0.00012%); highest among the groups gnomAD compares: Non-Finnish European, 0.00017%; no homozygotes.

Submission:

CeGaT Center for Human Genetics Tuebingen
Classification: Uncertain significance. Last evaluated: 2023-03-01. Review status: criteria provided, single submitter. Criteria: CeGaT Center For Human Genetics Tuebingen Variant Classification Criteria Version 2. Collection method: clinical testing. Allele origin: germline. Affected: yes. Observed: 1 variant allele.
Comment: HERC2: PM2, PP2

NM_004667.6(HERC2):c.8338G>A (p.Asp2780Asn)

Gene: HERC2 (HECT and RLD domain containing E3 ubiquitin protein ligase 2; minus strand). Cytogenetic location: 15q13.1.
Variant type: single nucleotide variant.
Coding change: c.8338G>A on transcript NM_004667.6 (MANE Select); coding-DNA position 8338, G replaced by A.
Protein change: p.Asp2780Asn; replaces aspartic acid 2780 with asparagine.
Molecular consequence: missense variant.
Genome position (GRCh38, 1-based): chr15:28,192,074, C>T on the plus strand (G>A on the coding strand, the complement: HERC2 is on the minus strand). VCF-style: chr15-28192074-C-T. GRCh37 (hg19) VCF-style: chr15-28437220-C-T.
Other names: short protein forms D2780N.
Identifiers: ClinVar variation 2645058 (VCV002645058.24), dbSNP rs2549058998, ClinGen allele CA391391476.